The following is an entry in ClinVar:

NM_001160148.2(DDHD1):c.1786C>T (p.Arg596Trp)

Gene: DDHD1 (DDHD domain containing 1; minus strand). Cytogenetic location: 14q22.1.
Variant type: single nucleotide variant.
Coding change: c.1786C>T on transcript NM_001160148.2 (MANE Select); coding-DNA position 1786, C replaced by T.
Protein change: p.Arg596Trp; replaces arginine 596 with tryptophan.
Molecular consequence: missense variant.
Genome position (GRCh38, 1-based): chr14:53,061,182, G>A on the plus strand (C>T on the coding strand, the complement: DDHD1 is on the minus strand). VCF-style: chr14-53061182-G-A. GRCh37 (hg19) VCF-style: chr14-53527900-G-A.
Other names: c.1807C>T, p.Arg603Trp (NM_001160147.2); c.1786C>T, p.Arg596Trp (NM_030637.3); short protein forms R596W, R603W.
Identifiers: ClinVar variation 2186346 (VCV002186346.1), dbSNP rs752912147, ClinGen allele CA7191132.

ClinVar aggregate classification (germline): Uncertain significance (1 of 4 stars; one submission).

Conditions:
Hereditary spastic paraplegia 28. Also called: Spastic paraplegia 28, autosomal recessive. Identifiers: Orphanet 101008, MedGen C1836295, MONDO:0012256, OMIM 609340.

Allele frequency attached by ClinVar (database versions not stated): gnomAD exomes below 0.00001; ExAC 0.00001.
gnomAD v4.1: 6 of 1,610,942 alleles (0.00037%); highest among the groups gnomAD compares: South Asian, 0.0033%; no homozygotes.

Submission:

Labcorp Genetics (formerly Invitae), Labcorp
Classification: Uncertain significance for Hereditary spastic paraplegia 28. Last evaluated: 2022-08-05. Review status: criteria provided, single submitter. Criteria: Invitae Variant Classification Sherloc (09022015). Collection method: clinical testing. Allele origin: germline.
Comment: This sequence change replaces arginine, which is basic and polar, with tryptophan, which is neutral and slightly polar, at codon 603 of the DDHD1 protein (p.Arg603Trp). The frequency data for this variant in the population databases is considered unreliable, as metrics indicate poor data quality at this position in the gnomAD database. This variant has not been reported in the literature in individuals affected with DDHD1-related conditions. Algorithms developed to predict the effect of missense changes on protein structure and function are either unavailable or do not agree on the potential impact of this missense change (SIFT: "Deleterious"; PolyPhen-2: "Possibly Damaging"; Align-GVGD: "Class C0"). In summary, the available evidence is currently insufficient to determine the role of this variant in disease. Therefore, it has been classified as a Variant of Uncertain Significance.